The following is an entry in ClinVar:

NM_000038.6(APC):c.3892dup (p.Ser1298fs)

Gene: APC (APC regulator of Wnt signaling pathway; plus strand). Cytogenetic location: 5q22.2.
Variant type: Duplication.
Coding change: c.3892dup on transcript NM_000038.6 (MANE Select); coding-DNA position 3892, one base duplicated (T; older notation c.3892dupT).
Protein change: p.Ser1298fs; shifts the reading frame from serine 1298.
Molecular consequence: frameshift variant.
Genome position (GRCh38, 1-based): chr5:112,839,486, T duplicated; the last of 2 consecutive T bases (chr5:112,839,485-112,839,486); duplicating either gives the same sequence. VCF-style (leftmost placement, unchanged base first): chr5-112839484-A-AT. GRCh37 (hg19) VCF-style: chr5-112175181-A-AT.
Other names: c.3892dup, p.Ser1298fs (NM_001127510.3, NM_001354895.2); c.3838dup, p.Ser1280fs (NM_001127511.3); c.3946dup, p.Ser1316fs (NM_001354896.2); c.3922dup, p.Ser1308fs (NM_001354897.2); c.3817dup, p.Ser1273fs (NM_001354898.2); c.3808dup, p.Ser1270fs (NM_001354899.2); c.3769dup, p.Ser1257fs (NM_001354900.2); c.3715dup, p.Ser1239fs (NM_001354901.2); and 5 more; short protein forms S1207fs, S1239fs, S1273fs, S1280fs, S1298fs, S1270fs, S1308fs, S1316fs.
Identifiers: ClinVar variation 824346 (VCV000824346.6), dbSNP rs1580641218, ClinGen allele CA645543630.

ClinVar aggregate classification (germline): Pathogenic. Review status: criteria provided, multiple submitters, no conflicts (2 of 4 stars). 2 submissions from 2 submitters: Pathogenic (2). Last evaluated 2023-05-09.

Conditions:
Hereditary cancer-predisposing syndrome. Also called: Neoplastic Syndromes, Hereditary; Tumor predisposition; Hereditary neoplastic syndrome; Hereditary Cancer Syndrome. Identifiers: Orphanet 140162, MedGen C0027672, MeSH D009386, MONDO:0015356.
Familial adenomatous polyposis 1 (FAP1). Also called: POLYPOSIS, ADENOMATOUS INTESTINAL; FAMILIAL ADENOMATOUS POLYPOSIS 1, ATTENUATED. Identifiers: MedGen C2713442, MONDO:0021056, OMIM 175100. Disease mechanism: loss of function.

Submissions (2):

Myriad Genetics, Inc.
Classification: Pathogenic for Familial adenomatous polyposis 1. Last evaluated: 2023-05-09. Review status: criteria provided, single submitter. Criteria: Myriad Autosomal Dominant, Autosomal Recessive and X-Linked Classification Criteria (2023). Collection method: clinical testing. Allele origin: unknown.
Comment: This variant is considered pathogenic. This variant creates a frameshift predicted to result in premature protein truncation.

Ambry Genetics
Classification: Pathogenic for Hereditary cancer-predisposing syndrome. Last evaluated: 2022-11-21. Review status: criteria provided, single submitter. Criteria: Ambry Variant Classification Scheme 2023. Collection method: clinical testing. Allele origin: germline.
Comment: The c.3892dupT pathogenic mutation, located in coding exon 15 of the APC gene, results from a duplication of T at nucleotide position 3892, causing a translational frameshift with a predicted alternate stop codon (p.S1298Ffs*3). This alteration is expected to result in loss of function by premature protein truncation or nonsense-mediated mRNA decay. As such, this alteration is interpreted as a disease-causing mutation.